The following is an entry in ClinVar:

ClinVar aggregate classification (germline): Likely pathogenic (1 of 4 stars; one submission).

Conditions:
Hermansky-Pudlak syndrome (HPS). Also called: ALBINISM WITH HEMORRHAGIC DIATHESIS AND PIGMENTED RETICULOENDOTHELIAL CELLS. Identifiers: Orphanet 79430, MedGen C0079504, MONDO:0019312.

Submission:

Natera, Inc.
Classification: Likely pathogenic for Hermansky-Pudlak syndrome. Last evaluated: 2025-02-25. Review status: criteria provided, single submitter. Criteria: Natera Variant Classification Schema (03/2026). Collection method: clinical testing. Allele origin: germline.
Comment: The c.2807G>A variant in HPS3 is a nonsense variant predicted to introduce a stop codon at amino acid 936. This variant is expected to result in nonsense mediated decay, truncation, or a dysfunctional protein product. This variant is rare in the general population with a frequency below the threshold expected for the associated phenotype(s). Given the available evidence, this variant is classified as Likely Pathogenic.

NM_032383.5(HPS3):c.2807G>A (p.Trp936Ter)

Genes: CP (ceruloplasmin; minus strand), HPS3 (HPS3 biogenesis of lysosomal organelles complex 2 subunit 1; plus strand). Cytogenetic location: 3q24.
Variant type: single nucleotide variant.
Coding change: c.2807G>A on transcript NM_032383.5 (MANE Select); coding-DNA position 2807, G replaced by A.
Protein change: p.Trp936Ter; replaces tryptophan 936 with a stop codon.
Molecular consequence: nonsense.
Genome position (GRCh38, 1-based): chr3:149,167,903, G>A. VCF-style: chr3-149167903-G-A. GRCh37 (hg19) VCF-style: chr3-148885690-G-A.
Other names: c.2312G>A, p.Trp771Ter (NM_001308258.2); short protein forms W771*, W936*.
Identifiers: ClinVar variation 4069484 (VCV004069484.2).